The following is an entry in ClinVar:

NM_005861.4(STUB1):c.364A>G (p.Ser122Gly)

Gene: STUB1 (STIP1 homology and U-box containing protein 1; plus strand). Cytogenetic location: 16p13.3.
Variant type: single nucleotide variant.
Coding change: c.364A>G on transcript NM_005861.4 (MANE Select); coding-DNA position 364, A replaced by G.
Protein change: p.Ser122Gly; replaces serine 122 with glycine.
Molecular consequence: missense variant.
Genome position (GRCh38, 1-based): chr16:681,443, A>G. VCF-style: chr16-681443-A-G. GRCh37 (hg19) VCF-style: chr16-731443-A-G.
Other names: c.148A>G, p.Ser50Gly (NM_001293197.2); short protein forms S122G, S50G.
Identifiers: ClinVar variation 4755650 (VCV004755650.1).

ClinVar aggregate classification (germline): Uncertain significance (1 of 4 stars; one submission).

Submission:

GeneDx
Classification: Uncertain significance. Last evaluated: 2025-08-07. Review status: criteria provided, single submitter. Criteria: GeneDx Variant Classification Process June 2021. Collection method: clinical testing. Allele origin: germline. Affected: yes.
Comment: Not observed at significant frequency in large population cohorts (gnomAD); In silico analysis suggests that this missense variant does not alter protein structure/function; In silico analysis is inconclusive as to whether the variant alters gene splicing. In the absence of RNA/functional studies, the actual effect of this sequence change is unknown.; Has not been previously published as pathogenic or benign to our knowledge